The following is an entry in ClinVar:

NM_000093.5(COL5A1):c.2191C>G (p.Leu731Val)

Gene: COL5A1 (collagen type V alpha 1 chain; plus strand). Cytogenetic location: 9q34.3.
Variant type: single nucleotide variant.
Coding change: c.2191C>G on transcript NM_000093.5 (MANE Select); coding-DNA position 2191, C replaced by G.
Protein change: p.Leu731Val; replaces leucine 731 with valine.
Molecular consequence: missense variant.
Genome position (GRCh38, 1-based): chr9:134,767,313, C>G. VCF-style: chr9-134767313-C-G. GRCh37 (hg19) VCF-style: chr9-137659159-C-G.
Other names: c.2191C>G, p.Leu731Val (NM_001278074.1); short protein forms L731V.
Identifiers: ClinVar variation 1712093 (VCV001712093.2), dbSNP rs764727008, ClinGen allele CA5319208.
Genomic context (GRCh38, chr9:134,767,313, plus strand): 5'-GGGTTCTGAGTCAATCAGCGCCCTCACCTTCCCTTTCTGGCTCTTTCTCCCTCTTAGGGT[C>G]TTCCAGGCCCCCAGGGTGCAATTGGTCCTCCAGGAGAAAAGGTAGGTGGGCCTGGGCTGT-3'
Protein context (NP_000084.3, residues 721-741): GQQGNPGAQG[Leu731Val]PGPQGAIGPP

ClinVar aggregate classification (germline): Uncertain significance (1 of 4 stars; one submission).

Allele frequency attached by ClinVar (database versions not stated): ExAC 0.00001; gnomAD exomes 0.00002.
gnomAD v4.1: 23 of 1,614,108 alleles (0.0014%); highest among the groups gnomAD compares: Non-Finnish European, 0.0019%; no homozygotes.

Submission:

GeneDx
Classification: Uncertain significance. Last evaluated: 2022-04-18. Review status: criteria provided, single submitter. Criteria: GeneDx Variant Classification Process June 2021. Collection method: clinical testing. Allele origin: germline. Affected: yes.
Comment: Not observed at significant frequency in large population cohorts (gnomAD); In silico analysis supports that this missense variant does not alter protein structure/function; Has not been previously published as pathogenic or benign to our knowledge